The following is an entry in ClinVar:

ClinVar aggregate classification (germline): Uncertain significance (1 of 4 stars; one submission).

Conditions:
Wilson disease (WND). Also called: Wilson's disease. Identifiers: Orphanet 905, MedGen C0019202, MONDO:0010200, OMIM 277900. Disease mechanism: loss of function.

gnomAD v4.1: 5 of 1,614,256 alleles (0.00031%); highest among the groups gnomAD compares: Non-Finnish European, 0.00042%; no homozygotes.

Submission:

Color Diagnostics, LLC DBA Color Health
Classification: Uncertain significance for Wilson disease. Last evaluated: 2025-06-24. Review status: criteria provided, single submitter. Criteria: ACMG Guidelines, 2015. Collection method: clinical testing. Allele origin: germline.
Comment: This missense variant replaces alanine with proline at codon 399 of the ATP7B protein. Computational prediction is inconclusive regarding the impact of this variant on protein structure and function. To our knowledge, functional studies have not been reported for this variant. This variant has been reported in individuals affected with Wilson disease (DOI: 10.1080/09723757.2012.11886173). This variant has not been identified in the general population by the Genome Aggregation Database (gnomAD). The available evidence is insufficient to determine the role of this variant in disease conclusively. Therefore, this variant is classified as a Variant of Uncertain Significance.

NM_000053.4(ATP7B):c.1195G>C (p.Ala399Pro)

Gene: ATP7B (ATPase copper transporting beta; minus strand). Cytogenetic location: 13q14.3.
Variant type: single nucleotide variant.
Coding change: c.1195G>C on transcript NM_000053.4 (MANE Select); coding-DNA position 1195, G replaced by C.
Protein change: p.Ala399Pro; replaces alanine 399 with proline.
Molecular consequence: missense variant.
Genome position (GRCh38, 1-based): chr13:51,974,025, C>G on the plus strand (G>C on the coding strand, the complement: ATP7B is on the minus strand). VCF-style: chr13-51974025-C-G. GRCh37 (hg19) VCF-style: chr13-52548161-C-G.
Other names: c.1195G>C, p.Ala399Pro (NM_001406515.1, NM_001406516.1, NM_001406519.1 and 29 more transcripts); c.1099G>C, p.Ala367Pro (NM_001406517.1, NM_001406518.1, NM_001406536.1 and 3 more transcripts); c.766G>C, p.Ala256Pro (NM_001406539.1); c.862G>C, p.Ala288Pro (NM_001243182.2); short protein forms A256P, A288P, A367P, A399P.
Identifiers: ClinVar variation 4757341 (VCV004757341.1).